The following is an entry in ClinVar:

ClinVar aggregate classification (germline): Likely benign (1 of 4 stars; one submission).

Submission:

CeGaT Center for Human Genetics Tuebingen
Classification: Likely benign. Last evaluated: 2023-03-01. Review status: criteria provided, single submitter. Criteria: CeGaT Center For Human Genetics Tuebingen Variant Classification Criteria Version 2. Collection method: clinical testing. Allele origin: germline. Affected: yes. Observed: 1 variant allele.
Comment: PRODH: PM2:Supporting, BP4, BP7

NM_016335.6(PRODH):c.1543C>T (p.Leu515=)

Gene: PRODH (proline dehydrogenase 1; minus strand). Cytogenetic location: 22q11.21.
Variant type: single nucleotide variant.
Coding change: c.1543C>T on transcript NM_016335.6 (MANE Select); coding-DNA position 1543, C replaced by T.
Protein change: p.Leu515=; no amino-acid change (leucine 515 retained).
Molecular consequence: synonymous variant.
Genome position (GRCh38, 1-based): chr22:18,913,510, G>A on the plus strand (C>T on the coding strand, the complement: PRODH is on the minus strand). VCF-style: chr22-18913510-G-A. GRCh37 (hg19) VCF-style: chr22-18901023-G-A.
Other names: c.1219C>T, p.Leu407= (NM_001195226.2, NM_001368250.2).
Identifiers: ClinVar variation 2652851 (VCV002652851.23), dbSNP rs2517447015, ClinGen allele CA512937980.